The following is an entry in ClinVar:

ClinVar aggregate classification (germline): Uncertain significance (1 of 4 stars; one submission).

Conditions:
Neuropathy, hereditary sensory and autonomic, type 2A (HSAN2A). Also called: ACROOSTEOLYSIS, GIACCAI TYPE; ACROOSTEOLYSIS, NEUROGENIC; MORVAN DISEASE; NEUROPATHY, CONGENITAL SENSORY; NEUROPATHY, HEREDITARY SENSORY RADICULAR, AUTOSOMAL RECESSIVE; NEUROPATHY, HEREDITARY SENSORY, TYPE IIA. Identifiers: Orphanet 970, MedGen C2752089, MONDO:0024309, OMIM 201300.
Pseudohypoaldosteronism type 2C (PHA2C). Also called: Pseudohypoaldosteronism Type IIC. Identifiers: Orphanet 757, Orphanet 88940, MedGen C1840391, MONDO:0013778, OMIM 614492.

Allele frequency attached by ClinVar (database versions not stated): gnomAD exomes below 0.00001; TOPMed below 0.00001.
gnomAD v4.1: 1 of 1,614,142 alleles (0.000062%); highest among the groups gnomAD compares: Admixed American, 0.0017%; no homozygotes.

Submission:

Labcorp Genetics (formerly Invitae), Labcorp
Classification: Uncertain significance for Neuropathy, hereditary sensory and autonomic, type 2A; Pseudohypoaldosteronism type 2C. Last evaluated: 2023-04-24. Review status: criteria provided, single submitter. Criteria: Invitae Variant Classification Sherloc (09022015). Collection method: clinical testing. Allele origin: germline.
Comment: This sequence change replaces threonine, which is neutral and polar, with isoleucine, which is neutral and non-polar, at codon 1601 of the WNK1 protein (p.Thr1601Ile). In summary, the available evidence is currently insufficient to determine the role of this variant in disease. Therefore, it has been classified as a Variant of Uncertain Significance. Advanced modeling of protein sequence and biophysical properties (such as structural, functional, and spatial information, amino acid conservation, physicochemical variation, residue mobility, and thermodynamic stability) performed at Invitae indicates that this missense variant is not expected to disrupt WNK1 protein function. This variant has not been reported in the literature in individuals affected with WNK1-related conditions. This variant is not present in population databases (gnomAD no frequency).

NM_018979.4(WNK1):c.4046C>T (p.Thr1349Ile)

Gene: WNK1 (WNK lysine deficient protein kinase 1; plus strand). Cytogenetic location: 12p13.33.
Variant type: single nucleotide variant.
Coding change: c.4046C>T on transcript NM_018979.4 (MANE Select); coding-DNA position 4046, C replaced by T.
Protein change: p.Thr1349Ile; replaces threonine 1349 with isoleucine.
Molecular consequence: missense variant.
Genome position (GRCh38, 1-based): chr12:884,850, C>T. VCF-style: chr12-884850-C-T. GRCh37 (hg19) VCF-style: chr12-994016-C-T.
Other names: c.4826C>T, p.Thr1609Ile (NM_001184985.2); c.3305C>T, p.Thr1102Ile (NM_014823.3); c.4802C>T, p.Thr1601Ile (NM_213655.5); short protein forms T1349I, T1601I, T1609I, T1102I.
Identifiers: ClinVar variation 2937814 (VCV002937814.3), dbSNP rs1953510652, ClinGen allele CA383330455.